The following is an entry in ClinVar:

ClinVar aggregate classification (germline): Uncertain significance (1 of 4 stars; one submission).

Conditions:
Hereditary cancer-predisposing syndrome. Also called: Neoplastic Syndromes, Hereditary; Tumor predisposition; Hereditary Cancer Syndrome; Hereditary neoplastic syndrome. Identifiers: Orphanet 140162, MedGen C0027672, MeSH D009386, MONDO:0015356.

Submission:

Ambry Genetics
Classification: Uncertain significance for Hereditary cancer-predisposing syndrome. Last evaluated: 2025-09-23. Review status: criteria provided, single submitter. Criteria: Ambry Variant Classification Scheme 2023. Collection method: clinical testing. Allele origin: germline.
Comment: The p.P103Q variant (also known as c.308C>A), located in coding exon 3 of the MITF gene, results from a C to A substitution at nucleotide position 308. The proline at codon 103 is replaced by glutamine, an amino acid with similar properties. This amino acid position is conserved. In addition, this alteration is predicted to be tolerated by in silico analysis. Based on the available evidence, the clinical significance of this variant remains unclear.

NM_001354604.2(MITF):c.629C>A (p.Pro210Gln)

Gene: MITF (melanocyte inducing transcription factor; plus strand). Cytogenetic location: 3p13.
Variant type: single nucleotide variant.
Coding change: c.629C>A on transcript NM_001354604.2 (MANE Select); coding-DNA position 629, C replaced by A.
Protein change: p.Pro210Gln; replaces proline 210 with glutamine.
Molecular consequence: missense variant.
Genome position (GRCh38, 1-based): chr3:69,939,144, C>A. VCF-style: chr3-69939144-C-A. GRCh37 (hg19) VCF-style: chr3-69988295-C-A.
Other names: c.308C>A, p.Pro103Gln (NM_000248.4, NM_198158.3); c.473C>A, p.Pro158Gln (NM_001184967.2, NM_001354608.2); c.626C>A, p.Pro209Gln (NM_001354605.2, NM_001354606.2, NM_006722.3); c.578C>A, p.Pro193Gln (NM_001354607.2); c.629C>A, p.Pro210Gln (NM_198159.3); c.581C>A, p.Pro194Gln (NM_198177.3); c.140C>A, p.Pro47Gln (NM_198178.3); short protein forms P210Q, P103Q, P193Q, P209Q, P47Q, P158Q, P194Q.
Identifiers: ClinVar variation 4648497 (VCV004648497.1).